The following is an entry in ClinVar:

NM_006690.4(MMP24):c.8G>A (p.Arg3Lys)

Genes: MMP24 (matrix metallopeptidase 24; plus strand), MMP24-AS1-EDEM2 (MMP24-AS1-EDEM2 readthrough; minus strand). Cytogenetic location: 20q11.22.
Variant type: single nucleotide variant.
Coding change: c.8G>A on transcript NM_006690.4 (MANE Select); coding-DNA position 8, G replaced by A.
Protein change: p.Arg3Lys; replaces arginine 3 with lysine.
Molecular consequence: missense variant. On other transcripts: intron variant (1).
Genome position (GRCh38, 1-based): chr20:35,226,746, G>A. VCF-style: chr20-35226746-G-A. GRCh37 (hg19) VCF-style: chr20-33814549-G-A.
Other names: c.-351-8685C>T (NM_001355008.2); short protein forms R3K.
Identifiers: ClinVar variation 2534284 (VCV002534284.2), dbSNP rs2515600790, ClinGen allele CA408706224.

ClinVar aggregate classification (germline): Uncertain significance (1 of 4 stars; one submission).

Submission:

Ambry Genetics
Classification: Uncertain significance. Last evaluated: 2023-04-07. Review status: criteria provided, single submitter. Criteria: Ambry Variant Classification Scheme 2023. Collection method: clinical testing. Allele origin: germline.
Comment: The c.8G>A (p.R3K) alteration is located in exon (coding exon ) of the MMP24 gene. This alteration results from a G to A substitution at nucleotide position 8, causing the arginine (R) at amino acid position 3 to be replaced by a lysine (K). Based on insufficient or conflicting evidence, the clinical significance of this alteration remains unclear.